The following is an entry in ClinVar:

ClinVar aggregate classification (germline): Uncertain significance (1 of 4 stars; one submission).

Conditions:
Peroxisome biogenesis disorder. Identifiers: Orphanet 79189, MedGen C1832200, MONDO:0019234. Disease mechanism: loss of function.

Submission:

Labcorp Genetics (formerly Invitae), Labcorp
Classification: Uncertain significance for Peroxisome biogenesis disorder. Last evaluated: 2024-10-16. Review status: criteria provided, single submitter. Criteria: Invitae Variant Classification Sherloc (09022015). Collection method: clinical testing. Allele origin: germline.
Comment: This sequence change replaces glycine, which is neutral and non-polar, with serine, which is neutral and polar, at codon 27 of the PEX6 protein (p.Gly27Ser). Information on the frequency of this variant in the gnomAD database is not available, as this variant may be reported differently in the database. This variant has not been reported in the literature in individuals affected with PEX6-related conditions. ClinVar contains an entry for this variant (Variation ID: 1974674). Experimental studies and prediction algorithms are not available or were not evaluated, and the functional significance of this variant is currently unknown. In summary, the available evidence is currently insufficient to determine the role of this variant in disease. Therefore, it has been classified as a Variant of Uncertain Significance.

NM_000287.4(PEX6):c.78_79delinsAA (p.Gly27Ser)

Gene: PEX6 (peroxisomal biogenesis factor 6; minus strand). Cytogenetic location: 6p21.1.
Variant type: Indel.
Coding change: c.78_79delinsAA on transcript NM_000287.4 (MANE Select); coding-DNA positions 78 to 79, GG replaced by AA.
Protein change: p.Gly27Ser; replaces glycine 27 with serine.
Molecular consequence: missense variant. On other transcripts: non-coding transcript variant (1).
Genome position (GRCh38, 1-based): chr6:42,979,072-42,979,073, CC replaced by TT on the plus strand (GG replaced by AA on the coding strand, the reverse complement: PEX6 is on the minus strand). VCF-style: chr6-42979072-CC-TT. GRCh37 (hg19) VCF-style: chr6-42946810-CC-TT.
Other names: c.78_79delinsAA, p.Gly27Ser (NM_001316313.2); short protein forms G27S.
Identifiers: ClinVar variation 1974674 (VCV001974674.4), dbSNP rs2481283577, ClinGen allele CA2580074577.
Genomic context (GRCh38, chr6:42,979,072, plus strand): 5'-GGCTCTCCCCTGCAGGCCTCAGGGCCAGCACCAGGCCCAGCTCCGCCGCCGGCCACGGGC[CC>TT]CCGGGTGGCAGCAGCACTGCCAACGGGGGTGTCTCGGTCGGAAAGGGCTCCAGGACCCGC-3'
Protein context (NP_000278.3, residues 17-37): PPLAVLLPPG[Gly27Ser]PWPAAELGLV